The following is an entry in ClinVar:

ClinVar aggregate classification (germline): Uncertain significance (1 of 4 stars; one submission).

gnomAD v4.1: 8 of 1,614,000 alleles (0.0005%); highest among the groups gnomAD compares: Admixed American, 0.0033%; no homozygotes.

Submission:

Labcorp Genetics (formerly Invitae), Labcorp
Classification: Uncertain significance. Last evaluated: 2024-03-01. Review status: criteria provided, single submitter. Criteria: Invitae Variant Classification Sherloc (09022015). Collection method: clinical testing. Allele origin: germline.
Comment: This sequence change affects codon 243 of the FOCAD mRNA. It is a 'silent' change, meaning that it does not change the encoded amino acid sequence of the FOCAD protein. This variant is present in population databases (rs779170000, gnomAD 0.006%). This variant has not been reported in the literature in individuals affected with FOCAD-related conditions. Experimental studies and prediction algorithms are not available or were not evaluated, and the effect of this variant on mRNA splicing is currently unknown. In summary, the available evidence is currently insufficient to determine the role of this variant in disease. Therefore, it has been classified as a Variant of Uncertain Significance.

NM_001375567.1(FOCAD):c.729G>A (p.Ala243=)

Gene: FOCAD (focadhesin; plus strand). Cytogenetic location: 9p21.3.
Variant type: single nucleotide variant.
Coding change: c.729G>A on transcript NM_001375567.1 (MANE Select); coding-DNA position 729, G replaced by A.
Protein change: p.Ala243=; no amino-acid change (alanine 243 retained).
Molecular consequence: synonymous variant.
Genome position (GRCh38, 1-based): chr9:20,770,061, G>A. VCF-style: chr9-20770061-G-A. GRCh37 (hg19) VCF-style: chr9-20770060-G-A.
Other names: c.729G>A, p.Ala243= (NM_001375568.1, NM_017794.5); c.624G>A, p.Ala208= (NM_001375570.1).
Identifiers: ClinVar variation 3642195 (VCV003642195.2).